The following is an entry in ClinVar:

NM_003072.5(SMARCA4):c.629T>A (p.Met210Lys)

Gene: SMARCA4 (SWI/SNF related BAF chromatin remodeling complex subunit ATPase 4; plus strand). Cytogenetic location: 19p13.2.
Variant type: single nucleotide variant.
Coding change: c.629T>A on transcript NM_003072.5 (MANE Select); coding-DNA position 629, T replaced by A.
Protein change: p.Met210Lys; replaces methionine 210 with lysine.
Molecular consequence: missense variant. On other transcripts: non-coding transcript variant (1).
Genome position (GRCh38, 1-based): chr19:10,986,462, T>A. VCF-style: chr19-10986462-T-A. GRCh37 (hg19) VCF-style: chr19-11097138-T-A.
Other names: c.629T>A, p.Met210Lys (NM_001128844.3, NM_001128845.2, NM_001128846.2 and 5 more transcripts); short protein forms M210K.
Identifiers: ClinVar variation 1037482 (VCV001037482.9), dbSNP rs749404527, ClinGen allele CA404056658.

ClinVar aggregate classification (germline): Uncertain significance (1 of 4 stars; one submission).

Conditions:
Rhabdoid tumor predisposition syndrome 2 (RTPS2). Identifiers: Orphanet 231108, Orphanet 69077, MedGen C2750074, MONDO:0013224, OMIM 613325.

Submission:

Labcorp Genetics (formerly Invitae), Labcorp
Classification: Uncertain significance for Rhabdoid tumor predisposition syndrome 2. Last evaluated: 2020-02-04. Review status: criteria provided, single submitter. Criteria: Invitae Variant Classification Sherloc (09022015). Collection method: clinical testing. Allele origin: germline.
Comment: This variant is not present in population databases (ExAC no frequency). This sequence change replaces methionine with lysine at codon 210 of the SMARCA4 protein (p.Met210Lys). The methionine residue is highly conserved and there is a moderate physicochemical difference between methionine and lysine. This variant has not been reported in the literature in individuals with SMARCA4-related conditions. Algorithms developed to predict the effect of missense changes on protein structure and function (SIFT, PolyPhen-2, Align-GVGD) all suggest that this variant is likely to be disruptive, but these predictions have not been confirmed by published functional studies and their clinical significance is uncertain. In summary, the available evidence is currently insufficient to determine the role of this variant in disease. Therefore, it has been classified as a Variant of Uncertain Significance.